The following is an entry in ClinVar:

ClinVar aggregate classification (germline): Uncertain significance. Review status: criteria provided, multiple submitters, no conflicts (2 of 4 stars). 2 submissions from 2 submitters: Uncertain significance (2). Last evaluated 2025-12-11.

Conditions:
RASopathy. Also called: Noonan spectrum disorder; rasopathies. Identifiers: Orphanet 536391, MedGen C5555857, MONDO:0021060.
Cardiovascular phenotype. Identifiers: MedGen CN230736.

gnomAD v4.1: 5 of 1,614,136 alleles (0.00031%); highest among the groups gnomAD compares: Non-Finnish European, 0.00042%; no homozygotes.

Submissions (2):

Ambry Genetics
Classification: Uncertain significance for Cardiovascular phenotype. Last evaluated: 2025-12-11. Review status: criteria provided, single submitter. Criteria: Ambry Variant Classification Scheme 2023. Collection method: clinical testing. Allele origin: germline.
Comment: The p.S285R variant (also known as c.855C>G), located in coding exon 7 of the RAF1 gene, results from a C to G substitution at nucleotide position 855. The serine at codon 285 is replaced by arginine, an amino acid with dissimilar properties. This amino acid position is conserved. In addition, this alteration is predicted to be tolerated by in silico analysis. Based on the available evidence, the clinical significance of this variant remains unclear.

Labcorp Genetics (formerly Invitae), Labcorp
Classification: Uncertain significance for RASopathy. Last evaluated: 2024-04-24. Review status: criteria provided, single submitter. Criteria: Invitae Variant Classification Sherloc (09022015). Collection method: clinical testing. Allele origin: germline.
Comment: This sequence change replaces serine, which is neutral and polar, with arginine, which is basic and polar, at codon 285 of the RAF1 protein (p.Ser285Arg). This variant is not present in population databases (gnomAD no frequency). This variant has not been reported in the literature in individuals affected with RAF1-related conditions. Advanced modeling of protein sequence and biophysical properties (such as structural, functional, and spatial information, amino acid conservation, physicochemical variation, residue mobility, and thermodynamic stability) performed at Invitae indicates that this missense variant is not expected to disrupt RAF1 protein function with a negative predictive value of 95%. In summary, the available evidence is currently insufficient to determine the role of this variant in disease. Therefore, it has been classified as a Variant of Uncertain Significance.

NM_002880.4(RAF1):c.855C>G (p.Ser285Arg)

Gene: RAF1 (Raf-1 proto-oncogene, serine/threonine kinase; minus strand). Cytogenetic location: 3p25.2.
Variant type: single nucleotide variant.
Coding change: c.855C>G on transcript NM_002880.4 (MANE Select); coding-DNA position 855, C replaced by G.
Protein change: p.Ser285Arg; replaces serine 285 with arginine.
Molecular consequence: missense variant. On other transcripts: non-coding transcript variant (3).
Genome position (GRCh38, 1-based): chr3:12,600,395, G>C on the plus strand (C>G on the coding strand, the complement: RAF1 is on the minus strand). VCF-style: chr3-12600395-G-C. GRCh37 (hg19) VCF-style: chr3-12641894-G-C.
Other names: c.915C>G, p.Ser305Arg (NM_001354689.3); c.855C>G, p.Ser285Arg (NM_001354690.3); c.612C>G, p.Ser204Arg (NM_001354691.3, NM_001354692.3); c.756C>G, p.Ser252Arg (NM_001354693.3); c.672C>G, p.Ser224Arg (NM_001354694.3); c.513C>G, p.Ser171Arg (NM_001354695.3); short protein forms S252R, S171R, S305R, S204R, S224R, S285R.
Identifiers: ClinVar variation 3730623 (VCV003730623.3).